The following is an entry in ClinVar:

NM_012186.3(FOXE3):c.487C>T (p.Arg163Cys)

Genes: FOXE3 (forkhead box E3; plus strand), LINC01389 (long independently transcribed non-coding RNA 1389; minus strand). Cytogenetic location: 1p33.
Variant type: single nucleotide variant.
Coding change: c.487C>T on transcript NM_012186.3 (MANE Select); coding-DNA position 487, C replaced by T.
Protein change: p.Arg163Cys; replaces arginine 163 with cysteine.
Molecular consequence: missense variant.
Genome position (GRCh38, 1-based): chr1:47,416,802, C>T. VCF-style: chr1-47416802-C-T. GRCh37 (hg19) VCF-style: chr1-47882474-C-T.
Other names: short protein forms R163C.
Identifiers: ClinVar variation 844460 (VCV000844460.11), dbSNP rs1389713794, ClinGen allele CA340250097.

ClinVar aggregate classification (germline): Uncertain significance. Review status: criteria provided, multiple submitters, no conflicts (2 of 4 stars). 2 submissions from 2 submitters: Uncertain significance (2). Last evaluated 2026-02-17.

Conditions:
Congenital primary aphakia. Also called: ANTERIOR SEGMENT DYSGENESIS 2; Anterior segment dysgenesis 2, multiple subtypes. Identifiers: Orphanet 83461, MedGen C1853230, MONDO:0012456, OMIM 610256.
Anterior segment dysgenesis. Also called: Ocular anterior segment dysgenesis. Identifiers: Orphanet 88632, MedGen C1862839, MONDO:0019503, HP:0007700.
Cardiovascular phenotype. Identifiers: MedGen CN230736.

Allele frequency attached by ClinVar (database versions not stated): gnomAD exomes below 0.00001; TOPMed 0.00001.

Submissions (2):

Ambry Genetics
Classification: Uncertain significance for Cardiovascular phenotype. Last evaluated: 2026-02-17. Review status: criteria provided, single submitter. Criteria: Ambry Variant Classification Scheme 2023. Collection method: clinical testing. Allele origin: germline.

Labcorp Genetics (formerly Invitae), Labcorp
Classification: Uncertain significance for Anterior segment dysgenesis; Congenital primary aphakia. Last evaluated: 2022-04-29. Review status: criteria provided, single submitter. Criteria: Invitae Variant Classification Sherloc (09022015). Collection method: clinical testing. Allele origin: germline.
Comment: This sequence change replaces arginine, which is basic and polar, with cysteine, which is neutral and slightly polar, at codon 163 of the FOXE3 protein (p.Arg163Cys). In summary, the available evidence is currently insufficient to determine the role of this variant in disease. Therefore, it has been classified as a Variant of Uncertain Significance. Algorithms developed to predict the effect of missense changes on protein structure and function are either unavailable or do not agree on the potential impact of this missense change (SIFT: "Deleterious"; PolyPhen-2: "Probably Damaging"; Align-GVGD: "Class C0"). ClinVar contains an entry for this variant (Variation ID: 844460). This variant has not been reported in the literature in individuals affected with FOXE3-related conditions. This variant is not present in population databases (gnomAD no frequency).